The following is an entry in ClinVar:

NM_000419.5(ITGA2B):c.671-1G>A

Gene: ITGA2B (integrin subunit alpha 2b; minus strand). Cytogenetic location: 17q21.31.
Variant type: single nucleotide variant.
Coding change: c.671-1G>A on transcript NM_000419.5 (MANE Select); the canonical splice acceptor site of the intron before coding-DNA position 671, G replaced by A.
Molecular consequence: splice acceptor variant.
Genome position (GRCh38, 1-based): chr17:44,385,077, C>T on the plus strand (G>A on the coding strand, the complement: ITGA2B is on the minus strand). VCF-style: chr17-44385077-C-T. GRCh37 (hg19) VCF-style: chr17-42462445-C-T.
Identifiers: ClinVar variation 954163 (VCV000954163.8), dbSNP rs2048632400, ClinGen allele CA399805445.

ClinVar aggregate classification (germline): Likely pathogenic (1 of 4 stars; one submission).

Conditions:
Glanzmann thrombasthenia. Also called: BLEEDING DISORDER, PLATELET-TYPE, 2; THROMBASTHENIA OF GLANZMANN AND NAEGELI; PLATELET GLYCOPROTEIN IIb-IIIa DEFICIENCY; Glanzmann's thrombasthenia; Thrombasthenia. Identifiers: Orphanet 849, MedGen C0040015, MONDO:0100326.

Submission:

Labcorp Genetics (formerly Invitae), Labcorp
Classification: Likely pathogenic for Glanzmann thrombasthenia. Last evaluated: 2019-09-21. Review status: criteria provided, single submitter. Criteria: Invitae Variant Classification Sherloc (09022015). Collection method: clinical testing. Allele origin: germline.
Comment: In summary, the currently available evidence indicates that the variant is pathogenic, but additional data are needed to prove that conclusively. Therefore, this variant has been classified as Likely Pathogenic. Donor and acceptor splice site variants typically lead to a loss of protein function (PMID: 16199547), and loss-of-function variants in ITGA2B are known to be pathogenic (PMID: 21917754). Algorithms developed to predict the effect of sequence changes on RNA splicing suggest that this variant may disrupt the consensus splice site, but this prediction has not been confirmed by published transcriptional studies. This variant has not been reported in the literature in individuals with ITGA2B-related conditions. This variant is not present in population databases (ExAC no frequency). This sequence change affects an acceptor splice site in intron 6 of the ITGA2B gene. It is expected to disrupt RNA splicing and likely results in an absent or disrupted protein product.

Literature cited by the submitters: PubMed 16199547; PubMed 21917754.